The following is an entry in ClinVar:

NM_002291.3(LAMB1):c.3803_3804dup (p.Val1269fs)

Gene: LAMB1 (laminin subunit beta 1; minus strand). Cytogenetic location: 7q31.1.
Variant type: Duplication.
Coding change: c.3803_3804dup on transcript NM_002291.3 (MANE Select); coding-DNA positions 3803 to 3804, 2 bases duplicated (AA; older notation c.3803_3804dupAA).
Protein change: p.Val1269fs; shifts the reading frame from valine 1269.
Molecular consequence: frameshift variant.
Genome position (GRCh38, 1-based): chr7:107,937,235-107,937,236, TT duplicated on the plus strand (AA on the coding strand, the reverse complement: LAMB1 is on the minus strand). VCF-style (leftmost placement, unchanged base first): chr7-107937234-C-CTT. GRCh37 (hg19) VCF-style: chr7-107577679-C-CTT.
Other names: short protein forms V1269fs.
Identifiers: ClinVar variation 4532054 (VCV004532054.1).

ClinVar aggregate classification (germline): Pathogenic (1 of 4 stars; one submission).

Conditions:
Cobblestone lissencephaly without muscular or ocular involvement. Also called: Lissencephaly 5; LEUKOENCEPHALOPATHY WITH VARIABLE CORTICAL BRAIN MALFORMATIONS AND/OR HYDROCEPHALUS. Identifiers: Orphanet 352682, MedGen C3554657, MONDO:0014077, OMIM 615191.

Submission:

Victorian Clinical Genetics Services, Murdoch Childrens Research Institute
Classification: Pathogenic for Cobblestone lissencephaly without muscular or ocular involvement. Last evaluated: 2025-07-11. Review status: criteria provided, single submitter. Criteria: ACMG Guidelines, 2015. Collection method: clinical testing. Allele origin: germline.
Comment: This variant is classified as Pathogenic. Evidence in support of pathogenic classification: Variant is predicted to cause nonsense-mediated decay (NMD) and loss of protein (premature termination codon is located at least 54 nucleotides upstream of the final exon-exon junction); Variant is present in gnomAD <0.01 (v4: 108 heterozygote(s), 0 homozygote(s)); Other NMD-predicted variant(s) comparable to the one identified in this case have very strong previous evidence for pathogenicity (DECIPHER). Additional information: This variant is heterozygous; This gene is associated with both recessive and dominant disease. Lissencephaly 5 (MIM#615191) is associated with autosomal recessive inheritance (OMIM). Leukodystrophy (MONDO:0019046), LAMB1-related has been reported in families with monoallelic variants (PMID: 34606115); This variant has no previous evidence of pathogenicity; No published evidence of segregation with disease has been identified for this variant; No published functional evidence has been identified for this variant; Loss of function is a known mechanism of disease in this gene and is associated with lissencephaly 5 (MIM#615191). Dominant negative is the suggested mechanism for leukodystrophy (MONDO:0019046), LAMB1-related, however, no functional studies have been performed to confirm dominant negative as a mechanism of disease (PMID: 34606115).

Literature cited by the submitters: PubMed 34606115.